The following is an entry in ClinVar:

ClinVar aggregate classification (germline): Uncertain significance (1 of 4 stars; one submission).

gnomAD v4.1: 3 of 1,614,104 alleles (0.00019%); highest among the groups gnomAD compares: Middle Eastern, 0.017%; no homozygotes.

Submission:

Labcorp Genetics (formerly Invitae), Labcorp
Classification: Uncertain significance. Last evaluated: 2022-11-15. Review status: criteria provided, single submitter. Criteria: Invitae Variant Classification Sherloc (09022015). Collection method: clinical testing. Allele origin: germline.
Comment: This sequence change replaces proline, which is neutral and non-polar, with serine, which is neutral and polar, at codon 3313 of the VCAN protein (p.Pro3313Ser). This variant is not present in population databases (gnomAD no frequency). This variant has not been reported in the literature in individuals affected with VCAN-related conditions. Algorithms developed to predict the effect of missense changes on protein structure and function are either unavailable or do not agree on the potential impact of this missense change (SIFT: "Deleterious"; PolyPhen-2: "Possibly Damaging"; Align-GVGD: "Class C0"). In summary, the available evidence is currently insufficient to determine the role of this variant in disease. Therefore, it has been classified as a Variant of Uncertain Significance.

NM_004385.5(VCAN):c.9937C>T (p.Pro3313Ser)

Gene: VCAN (versican; plus strand). Cytogenetic location: 5q14.3.
Variant type: single nucleotide variant.
Coding change: c.9937C>T on transcript NM_004385.5 (MANE Select); coding-DNA position 9937, C replaced by T.
Protein change: p.Pro3313Ser; replaces proline 3313 with serine.
Molecular consequence: missense variant.
Genome position (GRCh38, 1-based): chr5:83,580,036, C>T. VCF-style: chr5-83580036-C-T. GRCh37 (hg19) VCF-style: chr5-82875855-C-T.
Other names: c.1714C>T, p.Pro572Ser (NM_001126336.3); c.6976C>T, p.Pro2326Ser (NM_001164097.2); c.4675C>T, p.Pro1559Ser (NM_001164098.2); short protein forms P3313S, P1559S, P2326S, P572S.
Identifiers: ClinVar variation 2814477 (VCV002814477.3), dbSNP rs1233521831, ClinGen allele CA360300844.